The following is an entry in ClinVar:

NM_001127208.3(TET2):c.4999C>A (p.Leu1667Met)

Genes: TET2 (tet methylcytosine dioxygenase 2; plus strand), TET2-AS1 (TET2 antisense RNA 1; minus strand). Cytogenetic location: 4q24.
Variant type: single nucleotide variant.
Coding change: c.4999C>A on transcript NM_001127208.3 (MANE Select); coding-DNA position 4999, C replaced by A.
Protein change: p.Leu1667Met; replaces leucine 1667 with methionine.
Molecular consequence: missense variant.
Genome position (GRCh38, 1-based): chr4:105,275,509, C>A. VCF-style: chr4-105275509-C-A. GRCh37 (hg19) VCF-style: chr4-106196666-C-A.
Other names: short protein forms L1667M.
Identifiers: ClinVar variation 1917627 (VCV001917627.5), dbSNP rs1560573569, ClinGen allele CA357814062.

ClinVar aggregate classification (germline): Uncertain significance (1 of 4 stars; one submission).

Allele frequency attached by ClinVar (database versions not stated): TOPMed 0.00001.
gnomAD v4.1: 2 of 1,551,706 alleles (0.00013%); highest among the groups gnomAD compares: Admixed American, 0.0039%; no homozygotes.

Submission:

Labcorp Genetics (formerly Invitae), Labcorp
Classification: Uncertain significance. Last evaluated: 2022-09-14. Review status: criteria provided, single submitter. Criteria: Invitae Variant Classification Sherloc (09022015). Collection method: clinical testing. Allele origin: germline.
Comment: This sequence change replaces leucine, which is neutral and non-polar, with methionine, which is neutral and non-polar, at codon 1667 of the TET2 protein (p.Leu1667Met). This variant is present in population databases (no rsID available, gnomAD 0.004%). This variant has not been reported in the literature in individuals affected with TET2-related conditions. Algorithms developed to predict the effect of missense changes on protein structure and function are either unavailable or do not agree on the potential impact of this missense change (SIFT: "Tolerated"; PolyPhen-2: "Possibly Damaging"; Align-GVGD: "Class C0"). In summary, the available evidence is currently insufficient to determine the role of this variant in disease. Therefore, it has been classified as a Variant of Uncertain Significance.